The following is an entry in ClinVar:

ClinVar aggregate classification (germline): Uncertain significance (1 of 4 stars; one submission).

gnomAD v4.1: 1 of 1,212,121 alleles (0.000083%); no homozygotes.

Submission:

Labcorp Genetics (formerly Invitae), Labcorp
Classification: Uncertain significance. Last evaluated: 2025-02-08. Review status: criteria provided, single submitter. Criteria: Invitae Variant Classification Sherloc (09022015). Collection method: clinical testing. Allele origin: germline.
Comment: This sequence change replaces aspartic acid, which is acidic and polar, with valine, which is neutral and non-polar, at codon 356 of the NSDHL protein (p.Asp356Val). This variant is not present in population databases (gnomAD no frequency). This variant has not been reported in the literature in individuals affected with NSDHL-related conditions. An algorithm developed to predict the effect of missense changes on protein structure and function (PolyPhen-2) suggests that this variant is likely to be tolerated. In summary, the available evidence is currently insufficient to determine the role of this variant in disease. Therefore, it has been classified as a Variant of Uncertain Significance.

NM_015922.3(NSDHL):c.1067A>T (p.Asp356Val)

Gene: NSDHL (NAD(P) dependent 3-beta-hydroxysteroid dehydrogenase NSDHL; plus strand). Cytogenetic location: Xq28.
Variant type: single nucleotide variant.
Coding change: c.1067A>T on transcript NM_015922.3 (MANE Select); coding-DNA position 1067, A replaced by T.
Protein change: p.Asp356Val; replaces aspartic acid 356 with valine.
Molecular consequence: missense variant.
Genome position (GRCh38, 1-based): chrX:152,869,061, A>T. VCF-style: chrX-152869061-A-T. GRCh37 (hg19) VCF-style: chrX-152037605-A-T.
Other names: c.1067A>T, p.Asp356Val (NM_001129765.2); short protein forms D356V.
Identifiers: ClinVar variation 3707675 (VCV003707675.2).
Genomic context (GRCh38, chrX:152,869,061, plus strand): 5'-ACTACTACAGCTGCGAGAGAGCCAAAAAGGCCATGGGCTACCAGCCACTAGTGACCATGG[A>T]TGATGCTATGGAGAGGACCGTGCAGAGCTTTCGCCACCTGCGGAGGGTCAAGTGAGGGAC-3'
Protein context (NP_057006.1, residues 346-366): AMGYQPLVTM[Asp356Val]DAMERTVQSF